The following is an entry in ClinVar:

ClinVar aggregate classification (germline): Likely benign. Review status: criteria provided, multiple submitters, no conflicts (2 of 4 stars). 2 submissions from 2 submitters: Likely benign (2). Last evaluated 2025-08-01.

Conditions:
Oculofaciocardiodental syndrome (MCOPS2). Identifiers: Orphanet 2712, MedGen C1846265, MONDO:0010261, OMIM 300166.

gnomAD v4.1: 16 of 1,212,055 alleles (0.0013%); highest among the groups gnomAD compares: Non-Finnish European, 0.0018%; no homozygotes.

Submissions (2):

CeGaT Center for Human Genetics Tuebingen
Classification: Likely benign. Last evaluated: 2025-08-01. Review status: criteria provided, single submitter. Criteria: CeGaT Center For Human Genetics Tuebingen Variant Classification Criteria Version 2. Collection method: clinical testing. Allele origin: germline. Affected: yes. Observed: 1 variant allele.
Comment: BCOR: BP4, BP7, BS2

Labcorp Genetics (formerly Invitae), Labcorp
Classification: Likely benign for Oculofaciocardiodental syndrome. Last evaluated: 2024-03-06. Review status: criteria provided, single submitter. Criteria: Invitae Variant Classification Sherloc (09022015). Collection method: clinical testing. Allele origin: germline.

NM_001123385.2(BCOR):c.2721C>T (p.Ser907=)

Gene: BCOR (BCL6 corepressor; minus strand). Cytogenetic location: Xp11.4.
Variant type: single nucleotide variant.
Coding change: c.2721C>T on transcript NM_001123385.2 (MANE Select); coding-DNA position 2721, C replaced by T.
Protein change: p.Ser907=; no amino-acid change (serine 907 retained).
Molecular consequence: synonymous variant.
Genome position (GRCh38, 1-based): chrX:40,072,625, G>A on the plus strand (C>T on the coding strand, the complement: BCOR is on the minus strand). VCF-style: chrX-40072625-G-A. GRCh37 (hg19) VCF-style: chrX-39931878-G-A.
Other names: c.2721C>T, p.Ser907= (NM_001123383.2, NM_001123384.2, NM_017745.6).
Identifiers: ClinVar variation 3703130 (VCV003703130.10).